The following is an entry in ClinVar:

NM_020457.3(THAP11):c.870C>T (p.Ala290=)

Genes: THAP11 (THAP domain containing 11; plus strand), CENPT (centromere protein T; minus strand). Cytogenetic location: 16q22.1.
Variant type: single nucleotide variant.
Coding change: c.870C>T on transcript NM_020457.3 (MANE Select); coding-DNA position 870, C replaced by T.
Protein change: p.Ala290=; no amino-acid change (alanine 290 retained).
Molecular consequence: synonymous variant. On other transcripts: intron variant (1).
Genome position (GRCh38, 1-based): chr16:67,843,424, C>T. VCF-style: chr16-67843424-C-T. GRCh37 (hg19) VCF-style: chr16-67877327-C-T.
Other names: c.-492+3977G>A (NM_025082.4).
Identifiers: ClinVar variation 4777964 (VCV004777964.1).
Genomic context (GRCh38, chr16:67,843,424, plus strand): 5'-GATGGAAGTGAAGATGAAAGAGATGAAAGGCAGCATTCGCCACCTGCGTCTCACTGAGGC[C>T]AAGCTGCGCGAAGAACTGCGTGAGAAGGATCGGCTGCTTGCCATGGCTGTCATCCGCAAG-3'
Protein context (NP_065190.2, residues 280-300): GSIRHLRLTE[Ala290=]KLREELREKD

ClinVar aggregate classification (germline): Uncertain significance (1 of 4 stars; one submission).

gnomAD v4.1: 15 of 1,613,946 alleles (0.00093%); highest among the groups gnomAD compares: Non-Finnish European, 0.0012%; no homozygotes.

Submission:

Labcorp Genetics (formerly Invitae), Labcorp
Classification: Uncertain significance. Last evaluated: 2025-08-14. Review status: criteria provided, single submitter. Criteria: Invitae Variant Classification Sherloc (09022015). Collection method: clinical testing. Allele origin: germline.
Comment: This sequence change affects codon 290 of the THAP11 mRNA. It is a 'silent' change, meaning that it does not change the encoded amino acid sequence of the THAP11 protein. This variant is not present in population databases (gnomAD no frequency). This variant has not been reported in the literature in individuals affected with THAP11-related conditions. In summary, the available evidence is currently insufficient to determine the role of this variant in disease. Therefore, it has been classified as a Variant of Uncertain Significance.